The following is an entry in ClinVar:

NM_014714.4(IFT140):c.3251C>A (p.Ala1084Glu)

Gene: IFT140 (intraflagellar transport 140; minus strand). Cytogenetic location: 16p13.3.
Variant type: single nucleotide variant.
Coding change: c.3251C>A on transcript NM_014714.4 (MANE Select); coding-DNA position 3251, C replaced by A.
Protein change: p.Ala1084Glu; replaces alanine 1084 with glutamic acid.
Molecular consequence: missense variant.
Genome position (GRCh38, 1-based): chr16:1,523,847, G>T on the plus strand (C>A on the coding strand, the complement: IFT140 is on the minus strand). VCF-style: chr16-1523847-G-T. GRCh37 (hg19) VCF-style: chr16-1573848-G-T.
Other names: short protein forms A1084E.
Identifiers: ClinVar variation 1037290 (VCV001037290.8), dbSNP rs757199524, ClinGen allele CA394225577.

ClinVar aggregate classification (germline): Uncertain significance (1 of 4 stars; one submission).

Conditions:
Saldino-Mainzer syndrome (SRTD9). Also called: CONORENAL SYNDROME; Renal dysplasia, retinal pigmentary dystrophy, cerebellar ataxia and skeletal dysplasia; short-rib thoracic dysplasia 9 with or without polydactyly; SHORT-RIB THORACIC DYSPLASIA 9 WITHOUT POLYDACTYLY. Identifiers: Orphanet 140969, MedGen C1849437, MONDO:0009964, OMIM 266920.

Allele frequency attached by ClinVar (database versions not stated): gnomAD 0.00001; TOPMed 0.00001.
gnomAD v4.1: 3 of 1,613,038 alleles (0.00019%); highest among the groups gnomAD compares: East Asian, 0.0022%; no homozygotes.

Submission:

Labcorp Genetics (formerly Invitae), Labcorp
Classification: Uncertain significance for Saldino-Mainzer syndrome. Last evaluated: 2022-02-04. Review status: criteria provided, single submitter. Criteria: Invitae Variant Classification Sherloc (09022015). Collection method: clinical testing. Allele origin: germline.
Comment: In summary, the available evidence is currently insufficient to determine the role of this variant in disease. Therefore, it has been classified as a Variant of Uncertain Significance. Algorithms developed to predict the effect of missense changes on protein structure and function are either unavailable or do not agree on the potential impact of this missense change (SIFT: "Deleterious"; PolyPhen-2: "Probably Damaging"; Align-GVGD: "Class C0"). ClinVar contains an entry for this variant (Variation ID: 1037290). This variant has not been reported in the literature in individuals affected with IFT140-related conditions. This variant is not present in population databases (gnomAD no frequency). This sequence change replaces alanine, which is neutral and non-polar, with glutamic acid, which is acidic and polar, at codon 1084 of the IFT140 protein (p.Ala1084Glu).